The following is an entry in ClinVar:

ClinVar aggregate classification (germline): Uncertain significance (1 of 4 stars; one submission).

Allele frequency attached by ClinVar (database versions not stated): gnomAD exomes below 0.00001.
gnomAD v4.1: 2 of 1,609,444 alleles (0.00012%); highest among the groups gnomAD compares: Non-Finnish European, 0.00017%; no homozygotes.

Submission:

Labcorp Genetics (formerly Invitae), Labcorp
Classification: Uncertain significance. Last evaluated: 2022-10-12. Review status: criteria provided, single submitter. Criteria: Invitae Variant Classification Sherloc (09022015). Collection method: clinical testing. Allele origin: germline.
Comment: This sequence change replaces lysine, which is basic and polar, with glutamic acid, which is acidic and polar, at codon 166 of the SOX10 protein (p.Lys166Glu). This variant is not present in population databases (gnomAD no frequency). This variant has not been reported in the literature in individuals affected with SOX10-related conditions. Advanced modeling of protein sequence and biophysical properties (such as structural, functional, and spatial information, amino acid conservation, physicochemical variation, residue mobility, and thermodynamic stability) performed at Invitae indicates that this missense variant is expected to disrupt SOX10 protein function. In summary, the available evidence is currently insufficient to determine the role of this variant in disease. Therefore, it has been classified as a Variant of Uncertain Significance.

NM_006941.4(SOX10):c.496A>G (p.Lys166Glu)

Genes: POLR2F (RNA polymerase II, I and III subunit F; plus strand), SOX10 (SRY-box transcription factor 10; minus strand). Cytogenetic location: 22q13.1.
Variant type: single nucleotide variant.
Coding change: c.496A>G on transcript NM_006941.4 (MANE Select); coding-DNA position 496, A replaced by G.
Protein change: p.Lys166Glu; replaces lysine 166 with glutamic acid.
Molecular consequence: missense variant. On other transcripts: intron variant (3).
Genome position (GRCh38, 1-based): chr22:37,978,068, T>C on the plus strand (A>G on the coding strand, the complement: SOX10 is on the minus strand). VCF-style: chr22-37978068-T-C. GRCh37 (hg19) VCF-style: chr22-38374075-T-C.
Other names: c.*38+5758T>C (NM_001363825.1); c.294-8086T>C (NM_001301130.2); c.293+10898T>C (NM_001301131.2); short protein forms K166E.
Identifiers: ClinVar variation 1721447 (VCV001721447.6), dbSNP rs2518046920, ClinGen allele CA411497920.